The following is an entry in ClinVar:

ClinVar aggregate classification (germline): Conflicting classifications of pathogenicity. Review status: criteria provided, conflicting classifications (1 of 4 stars). 4 submissions from 4 submitters: Uncertain significance (3); Likely benign (1). Last evaluated 2025-09-05.

Conditions:
Inborn genetic diseases. Identifiers: MedGen C0950123, MeSH D030342.
DNMT1-related disorder. Also called: DNMT1-related condition. Identifiers: MedGen CN381527.
Hereditary sensory neuropathy-deafness-dementia syndrome. Also called: NEUROPATHY, HEREDITARY SENSORY, WITH HEARING LOSS AND DEMENTIA; Hereditary sensory neuropathy type IE; HSN IE; Hereditary Sensory and Autonomic Neuropathy Type 1E (HSAN1E). Identifiers: Orphanet 456318, MedGen C3279885, MONDO:0013584, OMIM 614116.

Allele frequency attached by ClinVar (database versions not stated): TOPMed below 0.00001; ExAC 0.00001.
gnomAD v4.1: 17 of 1,613,906 alleles (0.0011%); highest among the groups gnomAD compares: Middle Eastern, 0.016%; no homozygotes.

Submissions (4):

Labcorp Genetics (formerly Invitae), Labcorp
Classification: Likely benign for Hereditary sensory neuropathy-deafness-dementia syndrome. Last evaluated: 2025-09-05. Review status: criteria provided, single submitter. Criteria: Invitae Variant Classification Sherloc (09022015). Collection method: clinical testing. Allele origin: germline.

PreventionGenetics, part of Exact Sciences
Classification: Uncertain significance for DNMT1-related condition. Last evaluated: 2025-08-01. Review status: criteria provided, single submitter. Criteria: ACMG Guidelines, 2015. Collection method: clinical testing. Allele origin: germline.
Comment: The DNMT1 c.3139A>G variant is predicted to result in the amino acid substitution p.Thr1047Ala. To our knowledge, this variant has not been reported in the literature. This variant is reported in 0.0033% of alleles in individuals of South Asian descent in gnomAD. At this time, the clinical significance of this variant is uncertain due to the absence of conclusive functional and genetic evidence.

Ambry Genetics
Classification: Uncertain significance for Inborn genetic diseases. Last evaluated: 2022-12-19. Review status: criteria provided, single submitter. Criteria: Ambry Variant Classification Scheme 2023. Collection method: clinical testing. Allele origin: germline.

GeneDx
Classification: Uncertain significance. Last evaluated: 2019-12-30. Review status: criteria provided, single submitter. Criteria: GeneDx Variant Classification Process June 2021. Collection method: clinical testing. Allele origin: germline. Affected: yes.
Comment: Not observed at a significant frequency in large population cohorts (Lek et al., 2016); In silico analysis, which includes protein predictors and evolutionary conservation, supports that this variant does not alter protein structure/function; Has not been previously published as pathogenic or benign to our knowledge

Literature cited by the submitters: PubMed 36394275 (cited by Ambry Genetics).

NM_001130823.3(DNMT1):c.3139A>G (p.Thr1047Ala)

Gene: DNMT1 (DNA methyltransferase 1; minus strand). Cytogenetic location: 19p13.2.
Variant type: single nucleotide variant.
Coding change: c.3139A>G on transcript NM_001130823.3 (MANE Select); coding-DNA position 3139, A replaced by G.
Protein change: p.Thr1047Ala; replaces threonine 1047 with alanine.
Molecular consequence: missense variant.
Genome position (GRCh38, 1-based): chr19:10,142,198, T>C on the plus strand (A>G on the coding strand, the complement: DNMT1 is on the minus strand). VCF-style: chr19-10142198-T-C. GRCh37 (hg19) VCF-style: chr19-10252874-T-C.
Other names: c.3091A>G (NM_001379.2); c.3139A>G (NM_001130823.2); c.3091A>G, p.Thr1031Ala (NM_001318730.2, NM_001379.4); c.2776A>G, p.Thr926Ala (NM_001318731.2); short protein forms T1031A, T1047A, T926A.
Identifiers: ClinVar variation 1311680 (VCV001311680.6), dbSNP rs751674187, ClinGen allele CA9187831.